The following is an entry in ClinVar:

ClinVar aggregate classification (germline): Likely benign (0 of 4 stars; one submission).

Conditions:
GNAI3-related disorder. Also called: GNAI3-related condition.

Allele frequency attached by ClinVar (database versions not stated): gnomAD exomes 0.00007; gnomAD 0.00010; TOPMed 0.00019; ExAC 0.00064.
gnomAD v4.1: 123 of 1,612,996 alleles (0.0076%); highest among the groups gnomAD compares: Admixed American, 0.19%; no homozygotes.

Submission:

PreventionGenetics, part of Exact Sciences
Classification: Likely benign for GNAI3-related condition. Last evaluated: 2019-08-09. Review status: no assertion criteria provided. Collection method: clinical testing. Allele origin: germline.
Comment: This variant is classified as likely benign based on ACMG/AMP sequence variant interpretation guidelines (Richards et al. 2015 PMID: 25741868, with internal and published modifications).

NM_006496.4(GNAI3):c.62G>A (p.Arg21His)

Genes: GNAI3 (G protein subunit alpha i3; plus strand), LOC129931108 (ATAC-STARR-seq lymphoblastoid active region 1445; plus strand). Cytogenetic location: 1p13.3.
Variant type: single nucleotide variant.
Coding change: c.62G>A on transcript NM_006496.4 (MANE Select); coding-DNA position 62, G replaced by A.
Protein change: p.Arg21His; replaces arginine 21 with histidine.
Molecular consequence: missense variant.
Genome position (GRCh38, 1-based): chr1:109,548,782, G>A. VCF-style: chr1-109548782-G-A. GRCh37 (hg19) VCF-style: chr1-110091404-G-A.
Other names: short protein forms R21H.
Identifiers: ClinVar variation 3034301 (VCV003034301.2), dbSNP rs758232853, ClinGen allele CA991942.
Genomic context (GRCh38, chr1:109,548,782, plus strand): 5'-TGGGCTGCACGTTGAGCGCCGAAGACAAGGCGGCAGTGGAGCGAAGCAAGATGATCGACC[G>A]CAACTTACGGGAGGACGGGGAAAAAGCGGCCAAAGAAGTGAAGCTGCTGCTACTCGGTGA-3'
Protein context (NP_006487.1, residues 11-31): AAVERSKMID[Arg21His]NLREDGEKAA